The following is an entry in ClinVar:

ClinVar aggregate classification (germline): Uncertain significance (1 of 4 stars; one submission).

Conditions:
Cardiovascular phenotype. Identifiers: MedGen CN230736.

gnomAD v4.1: 1 of 1,610,674 alleles (0.000062%); highest among the groups gnomAD compares: South Asian, 0.0011%; no homozygotes.

Submission:

Ambry Genetics
Classification: Uncertain significance for Cardiovascular phenotype. Last evaluated: 2025-06-01. Review status: criteria provided, single submitter. Criteria: Ambry Variant Classification Scheme 2023. Collection method: clinical testing. Allele origin: germline.
Comment: The p.A865S variant (also known as c.2593G>T), located in coding exon 5 of the TNXB gene, results from a G to T substitution at nucleotide position 2593. The alanine at codon 865 is replaced by serine, an amino acid with similar properties. This amino acid position is conserved. In addition, this alteration is predicted to be tolerated by in silico analysis. Based on the available evidence, the clinical significance of this variant remains unclear.

NM_001365276.2(TNXB):c.2593G>T (p.Ala865Ser)

Gene: TNXB (tenascin XB; minus strand). Cytogenetic location: 6p21.33.
Variant type: single nucleotide variant.
Coding change: c.2593G>T on transcript NM_001365276.2 (MANE Select); coding-DNA position 2593, G replaced by T.
Protein change: p.Ala865Ser; replaces alanine 865 with serine.
Molecular consequence: missense variant.
Genome position (GRCh38, 1-based): chr6:32,088,971, C>A on the plus strand (G>T on the coding strand, the complement: TNXB is on the minus strand). VCF-style: chr6-32088971-C-A. GRCh37 (hg19) VCF-style: chr6-32056748-C-A.
Other names: c.2593G>T, p.Ala865Ser (NM_001428335.1, NM_019105.8); short protein forms A865S.
Identifiers: ClinVar variation 3972051 (VCV003972051.1).
Genomic context (GRCh38, chr6:32,088,971, plus strand): 5'-CCAGCCTCACCCTCTGGTTGCCGGCACTGACGTAGGACACCACAAATCGGTCCACCTCAG[C>A]CTGGGGACGCAGCCAGCCAAGCTCCAGTGTTGTCGGTGTCACAGCCACCACTCGGAGGTC-3'
Protein context (NP_001352205.1, residues 855-875): TLELGWLRPQ[Ala865Ser]EVDRFVVSYV